The following is an entry in ClinVar:

NM_001961.4(EEF2):c.2146C>T (p.Arg716Cys)

Genes: EEF2 (eukaryotic translation elongation factor 2; minus strand), LOC130063169 (ATAC-STARR-seq lymphoblastoid active region 13746; plus strand). Cytogenetic location: 19p13.3.
Variant type: single nucleotide variant.
Coding change: c.2146C>T on transcript NM_001961.4 (MANE Select); coding-DNA position 2146, C replaced by T.
Protein change: p.Arg716Cys; replaces arginine 716 with cysteine.
Molecular consequence: missense variant.
Genome position (GRCh38, 1-based): chr19:3,977,532, G>A on the plus strand (C>T on the coding strand, the complement: EEF2 is on the minus strand). VCF-style: chr19-3977532-G-A. GRCh37 (hg19) VCF-style: chr19-3977530-G-A.
Other names: short protein forms R716C.
Identifiers: ClinVar variation 1931833 (VCV001931833.5), dbSNP rs2512199041, ClinGen allele CA403390232.

ClinVar aggregate classification (germline): Uncertain significance (1 of 4 stars; one submission).

Allele frequency attached by ClinVar (database versions not stated): gnomAD exomes below 0.00001.

Submission:

Labcorp Genetics (formerly Invitae), Labcorp
Classification: Uncertain significance. Last evaluated: 2022-04-05. Review status: criteria provided, single submitter. Criteria: Invitae Variant Classification Sherloc (09022015). Collection method: clinical testing. Allele origin: germline.
Comment: This sequence change replaces arginine, which is basic and polar, with cysteine, which is neutral and slightly polar, at codon 716 of the EEF2 protein (p.Arg716Cys). This variant is not present in population databases (gnomAD no frequency). This variant has not been reported in the literature in individuals affected with EEF2-related conditions. Algorithms developed to predict the effect of missense changes on protein structure and function (SIFT, PolyPhen-2, Align-GVGD) all suggest that this variant is likely to be disruptive. In summary, the available evidence is currently insufficient to determine the role of this variant in disease. Therefore, it has been classified as a Variant of Uncertain Significance.